The following is an entry in ClinVar:

ClinVar aggregate classification (germline): Likely benign (0 of 4 stars; one submission).

Conditions:
UGT2B17-related disorder. Also called: UGT2B17-related condition.

Allele frequency attached by ClinVar (database versions not stated): gnomAD exomes 0.00002; ExAC 0.00003.
gnomAD v4.1: 28 of 1,375,248 alleles (0.002%); highest among the groups gnomAD compares: Admixed American, 0.024%; 8 homozygotes.

Submission:

PreventionGenetics, part of Exact Sciences
Classification: Likely benign for UGT2B17-related condition. Last evaluated: 2020-06-25. Review status: no assertion criteria provided. Collection method: clinical testing. Allele origin: germline.
Comment: This variant is classified as likely benign based on ACMG/AMP sequence variant interpretation guidelines (Richards et al. 2015 PMID: 25741868, with internal and published modifications).

NM_001077.4(UGT2B17):c.1362G>A (p.Pro454=)

Gene: UGT2B17 (UDP glucuronosyltransferase family 2 member B17; minus strand). Cytogenetic location: 4q13.2.
Variant type: single nucleotide variant.
Coding change: c.1362G>A on transcript NM_001077.4 (MANE Select); coding-DNA position 1362, G replaced by A.
Protein change: p.Pro454=; no amino-acid change (proline 454 retained).
Molecular consequence: synonymous variant.
Genome position (GRCh38, 1-based): chr4:68,537,856, C>T on the plus strand (G>A on the coding strand, the complement: UGT2B17 is on the minus strand). VCF-style: chr4-68537856-C-T. GRCh37 (hg19) VCF-style: chr4-69403574-C-T.
Identifiers: ClinVar variation 3036282 (VCV003036282.2), dbSNP rs746870450, ClinGen allele CA2942039.